The following is an entry in ClinVar:

NM_016213.5(TRIP4):c.1066A>G (p.Ile356Val)

Gene: TRIP4 (thyroid hormone receptor interactor 4; plus strand). Cytogenetic location: 15q22.31.
Variant type: single nucleotide variant.
Coding change: c.1066A>G on transcript NM_016213.5 (MANE Select); coding-DNA position 1066, A replaced by G.
Protein change: p.Ile356Val; replaces isoleucine 356 with valine.
Molecular consequence: missense variant.
Genome position (GRCh38, 1-based): chr15:64,414,107, A>G. VCF-style: chr15-64414107-A-G. GRCh37 (hg19) VCF-style: chr15-64706306-A-G.
Other names: c.376A>G, p.Ile126Val (NM_001321924.2); short protein forms I356V, I126V.
Identifiers: ClinVar variation 2015166 (VCV002015166.4), dbSNP rs1236413949, ClinGen allele CA392821920.

ClinVar aggregate classification (germline): Uncertain significance (1 of 4 stars; one submission).

Allele frequency attached by ClinVar (database versions not stated): gnomAD exomes 0.00001; TOPMed 0.00001.
gnomAD v4.1: 10 of 1,614,184 alleles (0.00062%); highest among the groups gnomAD compares: South Asian, 0.0055%; no homozygotes.

Submission:

Labcorp Genetics (formerly Invitae), Labcorp
Classification: Uncertain significance. Last evaluated: 2022-07-08. Review status: criteria provided, single submitter. Criteria: Invitae Variant Classification Sherloc (09022015). Collection method: clinical testing. Allele origin: germline.
Comment: This variant has not been reported in the literature in individuals affected with TRIP4-related conditions. Algorithms developed to predict the effect of missense changes on protein structure and function (SIFT, PolyPhen-2, Align-GVGD) all suggest that this variant is likely to be tolerated. This variant is present in population databases (no rsID available, gnomAD 0.003%). In summary, the available evidence is currently insufficient to determine the role of this variant in disease. Therefore, it has been classified as a Variant of Uncertain Significance. This sequence change replaces isoleucine, which is neutral and non-polar, with valine, which is neutral and non-polar, at codon 356 of the TRIP4 protein (p.Ile356Val).